The following is an entry in ClinVar:

NM_022041.4(GAN):c.156C>A (p.Ser52Arg)

Genes: GAN (gigaxonin; plus strand), LOC130059498 (ATAC-STARR-seq lymphoblastoid silent region 7753; plus strand). Cytogenetic location: 16q23.2.
Variant type: single nucleotide variant.
Coding change: c.156C>A on transcript NM_022041.4 (MANE Select); coding-DNA position 156, C replaced by A.
Protein change: p.Ser52Arg; replaces serine 52 with arginine.
Molecular consequence: missense variant. On other transcripts: 5 prime UTR variant (1).
Genome position (GRCh38, 1-based): chr16:81,315,269, C>A. VCF-style: chr16-81315269-C-A. GRCh37 (hg19) VCF-style: chr16-81348874-C-A.
Other names: c.-369C>A (NM_001377486.1); short protein forms S52R.
Identifiers: ClinVar variation 3367053 (VCV003367053.1).

ClinVar aggregate classification (germline): Uncertain significance (1 of 4 stars; one submission).

Conditions:
Giant axonal neuropathy 1 (GAN1). Also called: GIANT AXONAL NEUROPATHY 1, AUTOSOMAL RECESSIVE; GAN-Related Neurodegeneration. Identifiers: Orphanet 643, MedGen C1850386, MONDO:0009749, OMIM 256850.

Submission:

Neuberg Centre For Genomic Medicine, NCGM
Classification: Uncertain significance for Giant axonal neuropathy 1. Last evaluated: 2023-05-20. Review status: criteria provided, single submitter. Criteria: ACMG Guidelines, 2015. Collection method: clinical testing. Allele origin: germline. Inheritance: Autosomal recessive inheritance. Affected: yes.
Comment: The missense variant c.156C>A (p.Ser52Arg) in the GAN gene has not been reported previously as a pathogenic variant nor as a benign variant, to our knowledge. This variant is absent in the gnomAD Exomes. The amino acid Serine at position 52 is changed to a Arginine changing protein sequence and it might alter its composition and physico-chemical properties. Multiple lines of computational evidence (Polyphen - Damaging, SIFT - Damaging and MutationTaster - Disease causing) predict a damaging effect on protein structure and function for this variant. The amino acid change p.Ser52Arg in GAN is predicted as conserved by GERP++ and PhyloP across 100 vertebrates. For these reasons, this variant has been classified as Uncertain Significance.